The following is an entry in ClinVar:

ClinVar aggregate classification (germline): Likely pathogenic (1 of 4 stars; one submission).

Submission:

GeneDx
Classification: Likely pathogenic. Last evaluated: 2024-12-22. Review status: criteria provided, single submitter. Criteria: GeneDx Variant Classification Process June 2021. Collection method: clinical testing. Allele origin: germline.
Comment: Nonsense variant predicted to result in protein truncation or nonsense mediated decay in a gene for which loss of function is a known mechanism of disease; Not observed at significant frequency in large population cohorts (gnomAD); Has not been previously published as pathogenic or benign to our knowledge

NM_001849.4(COL6A2):c.2087G>A (p.Trp696Ter)

Gene: COL6A2 (collagen type VI alpha 2 chain; plus strand). Cytogenetic location: 21q22.3.
Variant type: single nucleotide variant.
Coding change: c.2087G>A on transcript NM_001849.4 (MANE Select); coding-DNA position 2087, G replaced by A.
Protein change: p.Trp696Ter; replaces tryptophan 696 with a stop codon.
Molecular consequence: nonsense.
Genome position (GRCh38, 1-based): chr21:46,125,902, G>A. VCF-style: chr21-46125902-G-A. GRCh37 (hg19) VCF-style: chr21-47545816-G-A.
Other names: c.2087G>A, p.Trp696Ter (NM_058174.3, NM_058175.3); short protein forms W696*.
Identifiers: ClinVar variation 3365824 (VCV003365824.2).